The following is an entry in ClinVar:

NM_017491.5(WDR1):c.510C>T (p.Cys170=)

Gene: WDR1 (WD repeat domain 1; minus strand). Cytogenetic location: 4p16.1.
Variant type: single nucleotide variant.
Coding change: c.510C>T on transcript NM_017491.5 (MANE Select); coding-DNA position 510, C replaced by T.
Protein change: p.Cys170=; no amino-acid change (cysteine 170 retained).
Molecular consequence: synonymous variant. On other transcripts: intron variant (1).
Genome position (GRCh38, 1-based): chr4:10,097,759, G>A on the plus strand (C>T on the coding strand, the complement: WDR1 is on the minus strand). VCF-style: chr4-10097759-G-A. GRCh37 (hg19) VCF-style: chr4-10099383-G-A.
Other names: c.139-9018C>T (NM_005112.5).
Identifiers: ClinVar variation 737152 (VCV000737152.32), dbSNP rs761011483, ClinGen allele CA2858038.

ClinVar aggregate classification (germline): Likely benign. Review status: criteria provided, multiple submitters, no conflicts (2 of 4 stars). 3 submissions from 3 submitters: Likely benign (3). Last evaluated 2025-12-08.

Allele frequency attached by ClinVar (database versions not stated): ExAC 0.00008; gnomAD exomes 0.00008; gnomAD 0.00010; TOPMed 0.00012.
gnomAD v4.1: 140 of 1,613,520 alleles (0.0087%); highest among the groups gnomAD compares: Middle Eastern, 0.13%; no homozygotes.

Submissions (3):

Labcorp Genetics (formerly Invitae), Labcorp
Classification: Likely benign. Last evaluated: 2025-12-08. Review status: criteria provided, single submitter. Criteria: Invitae Variant Classification Sherloc (09022015). Collection method: clinical testing. Allele origin: germline.

Blueprint Genetics
Classification: Likely benign. Last evaluated: 2024-11-23. Review status: criteria provided, single submitter. Criteria: ACMG Guidelines, 2015. Collection method: clinical testing. Allele origin: germline.

CeGaT Center for Human Genetics Tuebingen
Classification: Likely benign. Last evaluated: 2023-02-01. Review status: criteria provided, single submitter. Criteria: CeGaT Center For Human Genetics Tuebingen Variant Classification Criteria Version 2. Collection method: clinical testing. Allele origin: germline. Affected: yes. Observed: 1 variant allele.
Comment: WDR1: BP4, BP7